The following is an entry in ClinVar:

ClinVar aggregate classification (germline): Uncertain significance (1 of 4 stars; one submission).

Submission:

Labcorp Genetics (formerly Invitae), Labcorp
Classification: Uncertain significance. Last evaluated: 2023-05-27. Review status: criteria provided, single submitter. Criteria: Invitae Variant Classification Sherloc (09022015). Collection method: clinical testing. Allele origin: germline.
Comment: In summary, the available evidence is currently insufficient to determine the role of this variant in disease. Therefore, it has been classified as a Variant of Uncertain Significance. An algorithm developed to predict the effect of missense changes on protein structure and function (PolyPhen-2) suggests that this variant is likely to be tolerated. This variant has not been reported in the literature in individuals affected with ASXL1-related conditions. This variant is not present in population databases (gnomAD no frequency). This sequence change replaces alanine, which is neutral and non-polar, with glycine, which is neutral and non-polar, at codon 530 of the ASXL1 protein (p.Ala530Gly).

NM_015338.6(ASXL1):c.1589C>G (p.Ala530Gly)

Gene: ASXL1 (ASXL transcriptional regulator 1; plus strand). Cytogenetic location: 20q11.21.
Variant type: single nucleotide variant.
Coding change: c.1589C>G on transcript NM_015338.6 (MANE Select); coding-DNA position 1589, C replaced by G.
Protein change: p.Ala530Gly; replaces alanine 530 with glycine.
Molecular consequence: missense variant.
Genome position (GRCh38, 1-based): chr20:32,433,787, C>G. VCF-style: chr20-32433787-C-G. GRCh37 (hg19) VCF-style: chr20-31021590-C-G.
Other names: c.1406C>G, p.Ala469Gly (NM_001363734.1); short protein forms A530G, A469G.
Identifiers: ClinVar variation 2824612 (VCV002824612.3), dbSNP rs988568801, ClinGen allele CA408557455.